The following is an entry in ClinVar:

NM_004369.4(COL6A3):c.3566C>A (p.Pro1189His)

Gene: COL6A3 (collagen type VI alpha 3 chain; minus strand). Cytogenetic location: 2q37.3.
Variant type: single nucleotide variant.
Coding change: c.3566C>A on transcript NM_004369.4 (MANE Select); coding-DNA position 3566, C replaced by A.
Protein change: p.Pro1189His; replaces proline 1189 with histidine.
Molecular consequence: missense variant.
Genome position (GRCh38, 1-based): chr2:237,374,525, G>T on the plus strand (C>A on the coding strand, the complement: COL6A3 is on the minus strand). VCF-style: chr2-237374525-G-T. GRCh37 (hg19) VCF-style: chr2-238283168-G-T.
Other names: c.2345C>A, p.Pro782His (NM_057164.5); c.2948C>A, p.Pro983His (NM_057165.5, NM_057167.4); c.1745C>A, p.Pro582His (NM_057166.5); short protein forms P782H, P1189H, P582H, P983H.
Identifiers: ClinVar variation 2002999 (VCV002002999.4), dbSNP rs2469904928, ClinGen allele CA351202001.

ClinVar aggregate classification (germline): Uncertain significance (1 of 4 stars; one submission).

Conditions:
Bethlem myopathy 1A. Also called: MYOPATHY, BENIGN CONGENITAL, WITH CONTRACTURES; Bethlem myopathy 1; Bethlem Muscular Dystrophy. Identifiers: Orphanet 610, MedGen CN029274, MONDO:0024530, OMIM 158810.

Submission:

Labcorp Genetics (formerly Invitae), Labcorp
Classification: Uncertain significance for Bethlem myopathy 1A. Last evaluated: 2022-06-07. Review status: criteria provided, single submitter. Criteria: Invitae Variant Classification Sherloc (09022015). Collection method: clinical testing. Allele origin: germline.
Comment: This sequence change replaces proline, which is neutral and non-polar, with histidine, which is basic and polar, at codon 1189 of the COL6A3 protein (p.Pro1189His). This variant is not present in population databases (gnomAD no frequency). This variant has not been reported in the literature in individuals affected with COL6A3-related conditions. Advanced modeling of protein sequence and biophysical properties (such as structural, functional, and spatial information, amino acid conservation, physicochemical variation, residue mobility, and thermodynamic stability) performed at Invitae indicates that this missense variant is not expected to disrupt COL6A3 protein function. In summary, the available evidence is currently insufficient to determine the role of this variant in disease. Therefore, it has been classified as a Variant of Uncertain Significance.